The following is an entry in ClinVar:

NM_139242.4(MTFMT):c.1129A>C (p.Lys377Gln)

Gene: MTFMT (mitochondrial methionyl-tRNA formyltransferase; minus strand). Cytogenetic location: 15q22.31.
Variant type: single nucleotide variant.
Coding change: c.1129A>C on transcript NM_139242.4 (MANE Select); coding-DNA position 1129, A replaced by C.
Protein change: p.Lys377Gln; replaces lysine 377 with glutamine.
Molecular consequence: missense variant.
Genome position (GRCh38, 1-based): chr15:65,003,103, T>G on the plus strand (A>C on the coding strand, the complement: MTFMT is on the minus strand). VCF-style: chr15-65003103-T-G. GRCh37 (hg19) VCF-style: chr15-65295441-T-G.
Other names: p.Lys377Gln; short protein forms K377Q.
Identifiers: ClinVar variation 985377 (VCV000985377.46), dbSNP rs34507711, ClinGen allele CA7613143.
Genomic context (GRCh38, chr15:65,003,103, plus strand): 5'-TTATCCATCTTCTTCCTAACTACTCAATGCATTGTTGCATAGCAACAGTTTTTTTCTGCT[T>G]CTTCTTTGTTGGAAGTCTGAGAGTCTGAAATCTGCATTGGCTTGGTTGAGCTTGGGAATT-3'
Protein context (NP_640335.2, residues 367-387): FQTLRLPTKK[Lys377Gln]QKKTVAMQQC

ClinVar aggregate classification (germline): Conflicting classifications of pathogenicity. Review status: criteria provided, conflicting classifications (1 of 4 stars). 8 submissions from 8 submitters: Uncertain significance (2); Benign (1); Likely benign (5). Last evaluated 2026-08-05.

Conditions:
MTFMT-related disorder. Also called: MTFMT-related condition.
Combined oxidative phosphorylation defect type 15. Also called: Combined oxidative phosphorylation deficiency 15. Identifiers: Orphanet 319524, MedGen C4706313, MONDO:0013987, OMIM 614947.
Mitochondrial complex I deficiency, nuclear type 27. Also called: Mitochondrial complex 1 deficiency, nuclear type 27. Identifiers: MedGen C4748826, MONDO:0032631, OMIM 618248.
Inborn genetic diseases. Identifiers: MedGen C0950123, MeSH D030342.

Allele frequency attached by ClinVar (database versions not stated): ExAC 0.00075; 1000 Genomes Project 0.00120; ESP Exome Variant Server 0.00126; TOPMed 0.00140; gnomAD exomes 0.00182.
gnomAD v4.1: 2,783 of 1,610,146 alleles (0.17%); highest among the groups gnomAD compares: Non-Finnish European, 0.22%; 2 homozygotes.

Submissions (8):

PreventionGenetics, part of Exact Sciences
Classification: Likely benign for MTFMT-related condition. Last evaluated: 2026-08-05. Review status: criteria provided, single submitter. Criteria: ACMG Guidelines, 2015. Collection method: clinical testing. Allele origin: germline.
Comment: This variant is classified as likely benign based on ACMG/AMP sequence variant interpretation guidelines (Richards et al. 2015 PMID: 25741868, with internal and published modifications).

Labcorp Genetics (formerly Invitae), Labcorp
Classification: Likely benign. Last evaluated: 2026-01-26. Review status: criteria provided, single submitter. Criteria: Invitae Variant Classification Sherloc (09022015). Collection method: clinical testing. Allele origin: germline.

Mayo Clinic Laboratories, Mayo Clinic
Classification: Likely benign. Last evaluated: 2025-11-12. Review status: criteria provided, single submitter. Criteria: ACMG Guidelines, 2015. Collection method: clinical testing. Allele origin: germline. Observed: 4 variant alleles.
Comment: BS1, BP4

Blueprint Genetics
Classification: Likely benign. Last evaluated: 2024-11-11. Review status: criteria provided, single submitter. Criteria: ACMG Guidelines, 2015. Collection method: clinical testing. Allele origin: germline.

CeGaT Center for Human Genetics Tuebingen
Classification: Likely benign. Last evaluated: 2023-02-01. Review status: criteria provided, single submitter. Criteria: CeGaT Center For Human Genetics Tuebingen Variant Classification Criteria Version 2. Collection method: clinical testing. Allele origin: germline. Affected: yes. Observed: 2 variant alleles.
Comment: MTFMT: BP4

Department of Pathology and Laboratory Medicine, Sinai Health System
Classification: Uncertain significance for Combined oxidative phosphorylation defect type 15; Mitochondrial complex I deficiency, nuclear type 27. Last evaluated: 2020-08-31. Review status: criteria provided, single submitter. Criteria: ACMG Guidelines, 2015. Collection method: research. Allele origin: germline.

Ambry Genetics
Classification: Uncertain significance for Inborn genetic diseases. Last evaluated: 2019-05-22. Review status: criteria provided, single submitter. Criteria: Ambry exome assertion method (8-5-2015). Collection method: clinical testing. Allele origin: germline. Affected: yes. Observed: 1 variant allele.

GeneDx
Classification: Benign. Last evaluated: 2015-03-03. Review status: criteria provided, single submitter. Criteria: GeneDx Variant Classification Process June 2021. Collection method: clinical testing. Allele origin: germline. Affected: yes.